The following is an entry in ClinVar:

NM_006662.3(SRCAP):c.3020G>A (p.Arg1007Gln)

Gene: SRCAP (Snf2 related CREBBP activator protein; plus strand). Cytogenetic location: 16p11.2.
Variant type: single nucleotide variant.
Coding change: c.3020G>A on transcript NM_006662.3 (MANE Select); coding-DNA position 3020, G replaced by A.
Protein change: p.Arg1007Gln; replaces arginine 1007 with glutamine.
Molecular consequence: missense variant.
Genome position (GRCh38, 1-based): chr16:30,720,745, G>A. VCF-style: chr16-30720745-G-A. GRCh37 (hg19) VCF-style: chr16-30732066-G-A.
Other names: short protein forms R1007Q.
Identifiers: ClinVar variation 3322572 (VCV003322572.3).
Genomic context (GRCh38, chr16:30,720,745, plus strand): 5'-TACCCACTCTCTTAATTTTTTCTCACAGGATGCTGCAGCCAGTACCTAAGCAAGAAGGCC[G>A]GACAGTGGTGGTGGTGAACAACCCACGGGCGCCCCTGGGCCCTGTCCCAGTTCGACCTCC-3'
Protein context (NP_006653.2, residues 997-1017): MLQPVPKQEG[Arg1007Gln]TVVVVNNPRA

ClinVar aggregate classification (germline): Uncertain significance. Review status: criteria provided, multiple submitters, no conflicts (2 of 4 stars). 2 submissions from 2 submitters: Uncertain significance (2). Last evaluated 2024-09-18.

Conditions:
Inborn genetic diseases. Identifiers: MedGen C0950123, MeSH D030342.

gnomAD v4.1: 25 of 1,611,690 alleles (0.0016%); highest among the groups gnomAD compares: Admixed American, 0.005%; no homozygotes.

Submissions (2):

Labcorp Genetics (formerly Invitae), Labcorp
Classification: Uncertain significance. Last evaluated: 2024-09-18. Review status: criteria provided, single submitter. Criteria: Invitae Variant Classification Sherloc (09022015). Collection method: clinical testing. Allele origin: germline.
Comment: This sequence change replaces arginine, which is basic and polar, with glutamine, which is neutral and polar, at codon 1007 of the SRCAP protein (p.Arg1007Gln). This variant is present in population databases (no rsID available, gnomAD 0.003%). This variant has not been reported in the literature in individuals affected with SRCAP-related conditions. Invitae Evidence Modeling of protein sequence and biophysical properties (such as structural, functional, and spatial information, amino acid conservation, physicochemical variation, residue mobility, and thermodynamic stability) indicates that this missense variant is not expected to disrupt SRCAP protein function with a negative predictive value of 80%. In summary, the available evidence is currently insufficient to determine the role of this variant in disease. Therefore, it has been classified as a Variant of Uncertain Significance.

Ambry Genetics
Classification: Uncertain significance for Inborn genetic diseases. Last evaluated: 2024-03-25. Review status: criteria provided, single submitter. Criteria: Ambry Variant Classification Scheme 2023. Collection method: clinical testing. Allele origin: germline.